The following is an entry in ClinVar:

NM_001163435.3(TBCK):c.1071-1G>C

Gene: TBCK (TBC1 domain containing kinase; minus strand). Cytogenetic location: 4q24.
Variant type: single nucleotide variant.
Coding change: c.1071-1G>C on transcript NM_001163435.3 (MANE Select); the canonical splice acceptor site of the intron before coding-DNA position 1071, G replaced by C.
Molecular consequence: splice acceptor variant.
Genome position (GRCh38, 1-based): chr4:106,242,570, C>G on the plus strand (G>C on the coding strand, the complement: TBCK is on the minus strand). VCF-style: chr4-106242570-C-G. GRCh37 (hg19) VCF-style: chr4-107163727-C-G.
Other names: c.1071-1G>C (NM_001163436.4); c.882-1G>C (NM_033115.5); c.954-1G>C (NM_001163437.3); c.555-1G>C (NM_001290768.2).
Identifiers: ClinVar variation 1491350 (VCV001491350.8), dbSNP rs1311326943, ClinGen allele CA357823748.

ClinVar aggregate classification (germline): Likely pathogenic (1 of 4 stars; one submission).

Submission:

Labcorp Genetics (formerly Invitae), Labcorp
Classification: Likely pathogenic. Last evaluated: 2021-03-03. Review status: criteria provided, single submitter. Criteria: Invitae Variant Classification Sherloc (09022015). Collection method: clinical testing. Allele origin: germline.
Comment: This sequence change affects an acceptor splice site in intron 11 of the TBCK gene. It is expected to disrupt RNA splicing. Variants that disrupt the donor or acceptor splice site typically lead to a loss of protein function (PMID: 16199547), and loss-of-function variants in TBCK are known to be pathogenic (PMID: 27040692, 30103036). In summary, the currently available evidence indicates that the variant is pathogenic, but additional data are needed to prove that conclusively. Therefore, this variant has been classified as Likely Pathogenic. Algorithms developed to predict the effect of sequence changes on RNA splicing suggest that this variant may disrupt the consensus splice site, but this prediction has not been confirmed by published transcriptional studies. This variant has not been reported in the literature in individuals with TBCK-related conditions. This variant is not present in population databases (ExAC no frequency).

Literature cited by the submitters: PubMed 16199547; PubMed 27040692; PubMed 30103036.